The following is an entry in ClinVar:

ClinVar aggregate classification (germline): Uncertain significance (1 of 4 stars; one submission).

Conditions:
Hereditary cancer-predisposing syndrome. Also called: Neoplastic Syndromes, Hereditary; Tumor predisposition; Hereditary Cancer Syndrome; Hereditary neoplastic syndrome. Identifiers: Orphanet 140162, MedGen C0027672, MeSH D009386, MONDO:0015356.

Submission:

Ambry Genetics
Classification: Uncertain significance for Hereditary cancer-predisposing syndrome. Last evaluated: 2025-12-10. Review status: criteria provided, single submitter. Criteria: Ambry Variant Classification Scheme 2023. Collection method: clinical testing. Allele origin: germline.
Comment: The p.N123K variant (also known as c.369C>G), located in coding exon 1 of the GREM1 gene, results from a C to G substitution at nucleotide position 369. The asparagine at codon 123 is replaced by lysine, an amino acid with similar properties. This amino acid position is conserved. In addition, this alteration is predicted to be tolerated by in silico analysis. Based on the available evidence, the clinical significance of this variant remains unclear.

NM_013372.7(GREM1):c.369C>G (p.Asn123Lys)

Gene: GREM1 (gremlin 1, DAN family BMP antagonist; plus strand). Cytogenetic location: 15q13.3.
Variant type: single nucleotide variant.
Coding change: c.369C>G on transcript NM_013372.7 (MANE Select); coding-DNA position 369, C replaced by G.
Protein change: p.Asn123Lys; replaces asparagine 123 with lysine.
Molecular consequence: missense variant.
Genome position (GRCh38, 1-based): chr15:32,731,059, C>G. VCF-style: chr15-32731059-C-G. GRCh37 (hg19) VCF-style: chr15-33023260-C-G.
Other names: c.159C>G, p.Asn53Lys (NM_001191322.2); c.246C>G, p.Asn82Lys (NM_001191323.2); c.369C>G, p.Asn123Lys (NM_001368719.1); short protein forms N53K, N82K, N123K.
Identifiers: ClinVar variation 4643511 (VCV004643511.1).